The following is an entry in ClinVar:

ClinVar aggregate classification (germline): Likely benign (0 of 4 stars; one submission).

Conditions:
ADCY1-related disorder. Also called: ADCY1-related condition.

Allele frequency attached by ClinVar (database versions not stated): gnomAD exomes 0.00001; ExAC 0.00002; gnomAD 0.00002; TOPMed 0.00003; ESP Exome Variant Server 0.00008.
gnomAD v4.1: 11 of 1,614,048 alleles (0.00068%); highest among the groups gnomAD compares: Non-Finnish European, 0.00093%; no homozygotes.

Submission:

PreventionGenetics, part of Exact Sciences
Classification: Likely benign for ADCY1-related condition. Last evaluated: 2019-06-05. Review status: no assertion criteria provided. Collection method: clinical testing. Allele origin: germline.
Comment: This variant is classified as likely benign based on ACMG/AMP sequence variant interpretation guidelines (Richards et al. 2015 PMID: 25741868, with internal and published modifications).

NM_021116.4(ADCY1):c.1023G>A (p.Glu341=)

Gene: ADCY1 (adenylate cyclase 1; plus strand). Cytogenetic location: 7p12.3.
Variant type: single nucleotide variant.
Coding change: c.1023G>A on transcript NM_021116.4 (MANE Select); coding-DNA position 1023, G replaced by A.
Protein change: p.Glu341=; no amino-acid change (glutamic acid 341 retained).
Molecular consequence: synonymous variant.
Genome position (GRCh38, 1-based): chr7:45,648,672, G>A. VCF-style: chr7-45648672-G-A. GRCh37 (hg19) VCF-style: chr7-45688271-G-A.
Other names: c.348G>A, p.Glu116= (NM_001281768.2).
Identifiers: ClinVar variation 3044660 (VCV003044660.2), dbSNP rs373262043, ClinGen allele CA4248838.